The following is an entry in ClinVar:

NM_004100.5(EYA4):c.1340G>T (p.Ser447Ile)

Genes: EYA4 (EYA transcriptional coactivator and phosphatase 4; plus strand), TARID (TCF21 antisense RNA inducing promoter demethylation; minus strand). Cytogenetic location: 6q23.2.
Variant type: single nucleotide variant.
Coding change: c.1340G>T on transcript NM_004100.5 (MANE Select); coding-DNA position 1340, G replaced by T.
Protein change: p.Ser447Ile; replaces serine 447 with isoleucine.
Molecular consequence: missense variant.
Genome position (GRCh38, 1-based): chr6:133,512,779, G>T. VCF-style: chr6-133512779-G-T. GRCh37 (hg19) VCF-style: chr6-133833917-G-T.
Other names: c.1178G>T, p.Ser393Ile (NM_001301012.2); c.1358G>T, p.Ser453Ile (NM_001301013.2); c.1271G>T, p.Ser424Ile (NM_001370458.1, NM_172103.4); c.1196G>T, p.Ser399Ile (NM_001370459.1); c.1340G>T, p.Ser447Ile (NM_172105.4); short protein forms S393I, S424I, S447I, S399I, S453I.
Identifiers: ClinVar variation 1770358 (VCV001770358.3), dbSNP rs1799269218, ClinGen allele CA365714819.

ClinVar aggregate classification (germline): Uncertain significance. Review status: criteria provided, multiple submitters, no conflicts (2 of 4 stars). 2 submissions from 2 submitters: Uncertain significance (2). Last evaluated 2025-07-30.

Conditions:
Cardiovascular phenotype. Identifiers: MedGen CN230736.
Dilated cardiomyopathy 1J (CMD1J). Also called: CARDIOMYOPATHY, DILATED, WITH SENSORINEURAL HEARING LOSS, AUTOSOMAL DOMINANT. Identifiers: Orphanet 217622, MedGen C1854368, MONDO:0011541, OMIM 605362.

Allele frequency attached by ClinVar (database versions not stated): gnomAD exomes below 0.00001; TOPMed below 0.00001; gnomAD 0.00001.
gnomAD v4.1: 2 of 1,612,316 alleles (0.00012%); highest among the groups gnomAD compares: African/African-American, 0.0027%; no homozygotes.

Submissions (2):

Labcorp Genetics (formerly Invitae), Labcorp
Classification: Uncertain significance for Dilated cardiomyopathy 1J. Last evaluated: 2025-07-30. Review status: criteria provided, single submitter. Criteria: Invitae Variant Classification Sherloc (09022015). Collection method: clinical testing. Allele origin: germline.
Comment: This sequence change replaces serine, which is neutral and polar, with isoleucine, which is neutral and non-polar, at codon 447 of the EYA4 protein (p.Ser447Ile). This variant also falls at the last nucleotide of exon 15, which is part of the consensus splice site for this exon. This variant is not present in population databases (gnomAD no frequency). This variant has not been reported in the literature in individuals affected with EYA4-related conditions. ClinVar contains an entry for this variant (Variation ID: 1770358). An algorithm developed to predict the effect of missense changes on protein structure and function (PolyPhen-2) suggests that this variant is likely to be disruptive. Variants that disrupt the consensus splice site are a relatively common cause of aberrant splicing (PMID: 17576681, 9536098). Algorithms developed to predict the effect of sequence changes on RNA splicing suggest that this variant may disrupt the consensus splice site. In summary, the available evidence is currently insufficient to determine the role of this variant in disease. Therefore, it has been classified as a Variant of Uncertain Significance.

Ambry Genetics
Classification: Uncertain significance for Cardiovascular phenotype. Last evaluated: 2022-08-19. Review status: criteria provided, single submitter. Criteria: Ambry Variant Classification Scheme 2023. Collection method: clinical testing. Allele origin: germline.
Comment: The p.S447I variant (also known as c.1340G>T), located in coding exon 14 of the EYA4 gene, results from a G to T substitution at nucleotide position 1340. The amino acid change results in serine to isoleucine at codon 447, an amino acid with dissimilar properties. However, this change occurs in the last base pair of coding exon 14, which makes it likely to have some effect on normal mRNA splicing. This alteration has been reported in a sudden cardiac arrest cohort; however, clinical details were limited and an additional alteration in a cardiac-related gene was identified (Asatryan B et al. Am J Cardiol, 2019 06;123:2031-2038). This variant is considered to be rare based on population cohorts in the Genome Aggregation Database (gnomAD). This nucleotide position is highly conserved in available vertebrate species. This amino acid position is highly conserved in available vertebrate species. In silico splice site analysis predicts that this alteration will weaken the native splice donor site. In addition, as a missense substitution this is predicted to be deleterious by in silico analysis. Since supporting evidence is limited at this time, the clinical significance of this alteration remains unclear.

Literature cited by the submitters: PubMed 17576681 (cited by Labcorp Genetics (formerly Invitae), Labcorp); PubMed 9536098 (cited by Labcorp Genetics (formerly Invitae), Labcorp); PubMed 30975432 (cited by Ambry Genetics).